The following is an entry in ClinVar:

NM_001849.4(COL6A2):c.2982C>T (p.Ala994=)

Gene: COL6A2 (collagen type VI alpha 2 chain; plus strand). Cytogenetic location: 21q22.3.
Variant type: single nucleotide variant.
Coding change: c.2982C>T on transcript NM_001849.4 (MANE Select); coding-DNA position 2982, C replaced by T.
Protein change: p.Ala994=; no amino-acid change (alanine 994 retained).
Molecular consequence: synonymous variant.
Genome position (GRCh38, 1-based): chr21:46,132,474, C>T. VCF-style: chr21-46132474-C-T. GRCh37 (hg19) VCF-style: chr21-47552388-C-T.
Identifiers: ClinVar variation 289156 (VCV000289156.46), dbSNP rs145460820, ClinGen allele CA10073125.

ClinVar aggregate classification (germline): Likely benign. Review status: criteria provided, multiple submitters, no conflicts (2 of 4 stars). 5 submissions from 5 submitters: Likely benign (5). Last evaluated 2026-07-01.

Conditions:
Bethlem myopathy 1A. Also called: Bethlem Muscular Dystrophy; MYOPATHY, BENIGN CONGENITAL, WITH CONTRACTURES; Bethlem myopathy 1. Identifiers: Orphanet 610, MedGen CN029274, MONDO:0024530, OMIM 158810.

Allele frequency attached by ClinVar (database versions not stated): ESP Exome Variant Server 0.00031; gnomAD exomes 0.00032 and 0.00048; 1000 Genomes Project 30x 0.00016; 1000 Genomes Project 0.00020; TOPMed 0.00028; gnomAD 0.00048; ExAC 0.00061.
gnomAD v4.1: 537 of 1,606,538 alleles (0.033%); highest among the groups gnomAD compares: South Asian, 0.09%; 1 homozygote.

Submissions (5):

CeGaT Center for Human Genetics Tuebingen
Classification: Likely benign. Last evaluated: 2026-07-01. Review status: criteria provided, single submitter. Criteria: CeGaT Center For Human Genetics Tuebingen Variant Classification Criteria Version 2. Collection method: clinical testing. Allele origin: germline. Affected: yes. Observed: 6 variant alleles.
Comment: COL6A2: BP4, BP7

Labcorp Genetics (formerly Invitae), Labcorp
Classification: Likely benign for Bethlem myopathy 1A. Last evaluated: 2025-08-15. Review status: criteria provided, single submitter. Criteria: Invitae Variant Classification Sherloc (09022015). Collection method: clinical testing. Allele origin: germline.

Blueprint Genetics
Classification: Likely benign. Last evaluated: 2024-11-20. Review status: criteria provided, single submitter. Criteria: ACMG Guidelines, 2015. Collection method: clinical testing. Allele origin: germline.

GeneDx
Classification: Likely benign. Last evaluated: 2019-07-24. Review status: criteria provided, single submitter. Criteria: GeneDx Variant Classification Process June 2021. Collection method: clinical testing. Allele origin: germline. Affected: yes.

Eurofins Ntd Llc (ga)
Classification: Likely benign. Last evaluated: 2016-07-18. Review status: criteria provided, single submitter. Criteria: EGL Classification Definitions 2015. Collection method: clinical testing. Allele origin: germline. Observed: 1 variant allele, 1 heterozygote.